The following is an entry in ClinVar:

ClinVar aggregate classification (germline): Uncertain significance. Review status: criteria provided, multiple submitters, no conflicts (2 of 4 stars). 2 submissions from 2 submitters: Uncertain significance (2). Last evaluated 2025-06-01.

Conditions:
POLG-related disorder. Also called: POLG-Related Spectrum Disorders; POLG-related condition; POLG-Related Disorders. Identifiers: MedGen C4763519.

Allele frequency attached by ClinVar (database versions not stated): gnomAD exomes below 0.00001 and 0.00001; ExAC 0.00001; gnomAD 0.00001; TOPMed 0.00001.
gnomAD v4.1: 7 of 1,612,802 alleles (0.00043%); highest among the groups gnomAD compares: East Asian, 0.0089%; no homozygotes.

Submissions (2):

CeGaT Center for Human Genetics Tuebingen
Classification: Uncertain significance. Last evaluated: 2025-06-01. Review status: criteria provided, single submitter. Criteria: CeGaT Center For Human Genetics Tuebingen Variant Classification Criteria Version 2. Collection method: clinical testing. Allele origin: germline. Affected: yes. Observed: 1 variant allele.
Comment: POLG: PM2, BP4

Illumina Laboratory Services, Illumina
Classification: Uncertain significance for POLG-Related Spectrum Disorders. Last evaluated: 2018-01-13. Review status: criteria provided, single submitter. Criteria: ICSL Variant Classification Criteria 13 December 2019. Collection method: clinical testing. Allele origin: germline.

NM_002693.3(POLG):c.2279G>A (p.Cys760Tyr)

Gene: POLG (DNA polymerase gamma, catalytic subunit; minus strand). Cytogenetic location: 15q26.1.
Variant type: single nucleotide variant.
Coding change: c.2279G>A on transcript NM_002693.3 (MANE Select); coding-DNA position 2279, G replaced by A.
Protein change: p.Cys760Tyr; replaces cysteine 760 with tyrosine.
Molecular consequence: missense variant.
Genome position (GRCh38, 1-based): chr15:89,322,889, C>T on the plus strand (G>A on the coding strand, the complement: POLG is on the minus strand). VCF-style: chr15-89322889-C-T. GRCh37 (hg19) VCF-style: chr15-89866120-C-T.
Other names: c.2279G>A, p.Cys760Tyr (NM_001126131.2); short protein forms C760Y.
Identifiers: ClinVar variation 317327 (VCV000317327.13), dbSNP rs752878861, ClinGen allele CA7724506.